The following is an entry in ClinVar:

ClinVar aggregate classification (germline): Uncertain significance (1 of 4 stars; one submission).

Allele frequency attached by ClinVar (database versions not stated): gnomAD exomes 0.00001; TOPMed 0.00001; gnomAD 0.00013 and 0.00014.
gnomAD v4.1: 28 of 1,185,118 alleles (0.0024%); highest among the groups gnomAD compares: Admixed American, 0.078%; no homozygotes.

Submission:

Labcorp Genetics (formerly Invitae), Labcorp
Classification: Uncertain significance. Last evaluated: 2019-11-26. Review status: criteria provided, single submitter. Criteria: Invitae Variant Classification Sherloc (09022015). Collection method: clinical testing. Allele origin: germline.
Comment: In summary, the available evidence is currently insufficient to determine the role of this variant in disease. Therefore, it has been classified as a Variant of Uncertain Significance. Algorithms developed to predict the effect of missense changes on protein structure and function output the following: SIFT: "Tolerated"; PolyPhen-2: "Not Available"; Align-GVGD: "Class C0". The glycine amino acid residue is found in multiple mammalian species, suggesting that this missense change does not adversely affect protein function. These predictions have not been confirmed by published functional studies and their clinical significance is uncertain. This variant has not been reported in the literature in individuals with GRM6-related conditions. The frequency data for this variant in the population databases is considered unreliable, as metrics indicate insufficient coverage at this position in the ExAC database. This sequence change replaces arginine with glycine at codon 5 of the GRM6 protein (p.Arg5Gly). The arginine residue is weakly conserved and there is a moderate physicochemical difference between arginine and glycine.

NM_000843.4(GRM6):c.13C>G (p.Arg5Gly)

Gene: GRM6 (glutamate metabotropic receptor 6; minus strand). Cytogenetic location: 5q35.3.
Variant type: single nucleotide variant.
Coding change: c.13C>G on transcript NM_000843.4 (MANE Select); coding-DNA position 13, C replaced by G.
Protein change: p.Arg5Gly; replaces arginine 5 with glycine.
Molecular consequence: missense variant.
Genome position (GRCh38, 1-based): chr5:178,994,932, G>C on the plus strand (C>G on the coding strand, the complement: GRM6 is on the minus strand). VCF-style: chr5-178994932-G-C. GRCh37 (hg19) VCF-style: chr5-178421933-G-C.
Other names: short protein forms R5G.
Identifiers: ClinVar variation 857227 (VCV000857227.7), dbSNP rs1372202082, ClinGen allele CA362437242.